The following is an entry in ClinVar:

ClinVar aggregate classification (germline): Uncertain significance. Review status: criteria provided, single submitter (1 of 4 stars). 2 submissions from 2 submitters: Uncertain significance (1). 1 of the submissions does not count toward it. Last evaluated 2021-07-06.

Conditions:
GATA2 deficiency with susceptibility to MDS/AML. Identifiers: MedGen CN300066, MONDO:0042982.
Deafness-lymphedema-leukemia syndrome. Also called: Lymphedema, primary, with myelodysplasia; Emberger syndrome. Identifiers: Orphanet 3226, MedGen C3279664, MONDO:0013540, OMIM 614038.
Monocytopenia with susceptibility to infections. Also called: IMMUNODEFICIENCY 21; Dendritic cell, monocyte, B lymphocyte, and natural killer lymphocyte deficiency; GATA2 DEFICIENCY; MONOCYTOPENIA AND MYCOBACTERIAL INFECTION SYNDROME; MONOCYTOPENIA WITH SUSCEPTIBILITY TO MYCOBACTERIAL, FUNGAL, AND PAPILLOMAVIRUS INFECTIONS AND MYELODYSPLASIA; COMBINED IMMUNODEFICIENCY WITH SUSCEPTIBILITY TO MYCOBACTERIAL, VIRAL, AND FUNGAL INFECTIONS. Identifiers: Orphanet 228423, MedGen C3280030, MONDO:0013607, OMIM 614172.

Submissions (2):

Molecular Pathology Research Laboratory, SA Pathology
Classification: Uncertain significance for GATA2 deficiency with susceptibility to MDS/AML; Deafness-lymphedema-leukemia syndrome. Last evaluated: 2021-07-06. Review status: criteria provided, single submitter. Criteria: ACMG Guidelines, 2015. Collection method: curation. Allele origin: unknown. Inheritance: Autosomal dominant inheritance. Affected: yes. Observed: 1 variant allele.
Comment: PS4_Supporting, PM2

OMIM
Classification: Pathogenic for IMMUNODEFICIENCY 21. Last evaluated: 2011-09-08. Review status: no assertion criteria provided. Collection method: literature only. Allele origin: germline. Not counted in ClinVar's aggregate classification.

Literature cited by the submitters: PubMed 24227816 (cited by Molecular Pathology Research Laboratory, SA Pathology); PubMed 23502222 (cited by Molecular Pathology Research Laboratory, SA Pathology); PubMed 21670465 (cited by Molecular Pathology Research Laboratory, SA Pathology and OMIM).

NM_032638.5(GATA2):c.761C>T (p.Pro254Leu)

Gene: GATA2 (GATA binding protein 2; minus strand). Cytogenetic location: 3q21.3.
Variant type: single nucleotide variant.
Coding change: c.761C>T on transcript NM_032638.5 (MANE Select); coding-DNA position 761, C replaced by T.
Protein change: p.Pro254Leu; replaces proline 254 with leucine.
Molecular consequence: missense variant.
Genome position (GRCh38, 1-based): chr3:128,485,837, G>A on the plus strand (C>T on the coding strand, the complement: GATA2 is on the minus strand). VCF-style: chr3-128485837-G-A. GRCh37 (hg19) VCF-style: chr3-128204680-G-A.
Other names: c.761C>T, p.Pro254Leu (NM_001145661.2, NM_001145662.1); short protein forms P254L.
Identifiers: ClinVar variation 29710 (VCV000029710.2), dbSNP rs387906630, ClinGen allele CA128576.